The following is an entry in ClinVar:

ClinVar aggregate classification (germline): Uncertain significance. Review status: criteria provided, multiple submitters, no conflicts (2 of 4 stars). 3 submissions from 3 submitters: Uncertain significance (3). Last evaluated 2025-11-06.

Conditions:
Dilated cardiomyopathy 1AA (CMD1AA). Also called: CARDIOMYOPATHY, DILATED, 1AA, WITH OR WITHOUT LEFT VENTRICULAR NONCOMPACTION; CARDIOMYOPATHY, FAMILIAL HYPERTROPHIC, 23, WITH OR WITHOUT LEFT VENTRICULAR NONCOMPACTION; Cardiomyopathy, dilated, 1AA, with or without LVNC. Identifiers: Orphanet 154, MedGen C2677338, MONDO:0012808, OMIM 612158.
Myopathy, congenital, with structured cores and z-line abnormalities. Also called: MULTIPLE STRUCTURED CORE DISEASE; CONGENITAL MYOPATHY 8. Identifiers: MedGen C5231445, MONDO:0032852, OMIM 618654.
Myopathy, distal, 6, adult-onset, autosomal dominant. Identifiers: MedGen C5203349, MONDO:0032853, OMIM 618655.

Allele frequency attached by ClinVar (database versions not stated): TOPMed below 0.00001; gnomAD 0.00001; gnomAD exomes 0.00001 and 0.00003.
gnomAD v4.1: 46 of 1,535,578 alleles (0.003%); highest among the groups gnomAD compares: Non-Finnish European, 0.004%; no homozygotes.

Submissions (3):

GeneDx
Classification: Uncertain significance. Last evaluated: 2025-11-06. Review status: criteria provided, single submitter. Criteria: GeneDx Variant Classification Process June 2021. Collection method: clinical testing. Allele origin: germline.
Comment: Not observed at significant frequency in large population cohorts (gnomAD); In silico analysis supports a deleterious effect on splicing; Has not been previously published as pathogenic or benign to our knowledge; Reported using an alternate transcript of the gene

Blueprint Genetics
Classification: Uncertain significance. Last evaluated: 2024-07-15. Review status: criteria provided, single submitter. Criteria: ACMG Guidelines, 2015. Collection method: clinical testing. Allele origin: germline.

Fulgent Genetics
Classification: Uncertain significance for Dilated cardiomyopathy 1AA; Myopathy, congenital, with structured cores and z-line abnormalities; Myopathy, distal, 6, adult-onset, autosomal dominant. Last evaluated: 2021-08-10. Review status: criteria provided, single submitter. Criteria: ACMG Guidelines, 2015. Collection method: clinical testing. Allele origin: unknown.

NM_001103.4(ACTN2):c.698-1179G>A

Gene: ACTN2 (actinin alpha 2; plus strand). Cytogenetic location: 1q43.
Variant type: single nucleotide variant.
Coding change: c.698-1179G>A on transcript NM_001103.4 (MANE Select); 1179 bases into the intron before coding-DNA position 698, G replaced by A.
Molecular consequence: intron variant. On other transcripts: missense variant (1), 5 prime UTR variant (1).
Genome position (GRCh38, 1-based): chr1:236,734,456, G>A. VCF-style: chr1-236734456-G-A. GRCh37 (hg19) VCF-style: chr1-236897756-G-A.
Other names: c.721G>A, p.Asp241Asn (NM_001278343.2); c.-101G>A (NM_001278344.2); short protein forms D241N.
Identifiers: ClinVar variation 636741 (VCV000636741.4), dbSNP rs1317190224, ClinGen allele CA345376618.